The following is an entry in ClinVar:

ClinVar aggregate classification (germline): Pathogenic (1 of 4 stars; one submission).

Submission:

GeneDx
Classification: Pathogenic. Last evaluated: 2015-06-01. Review status: criteria provided, single submitter. Criteria: GeneDx Variant Classification (06012015). Collection method: clinical testing. Allele origin: germline. Affected: yes.
Comment: The K511X nonsense variant in the EYA1 gene is predicted to cause loss of normalprotein function either through protein truncation or nonsense-mediated mRNA decay. The K511X variant was not observed in approximately 6,500 individuals of European and African American ancestry in the NHLBI Exome Sequencing Project, indicating it is not a common benign variant in these populations. Although this variant has not been reported previously to our knowledge, we consider it to be pathogenic.

NM_000503.6(EYA1):c.1531A>T (p.Lys511Ter)

Gene: EYA1 (EYA transcriptional coactivator and phosphatase 1; minus strand). Cytogenetic location: 8q13.3.
Variant type: single nucleotide variant.
Coding change: c.1531A>T on transcript NM_000503.6 (MANE Select); coding-DNA position 1531, A replaced by T.
Protein change: p.Lys511Ter; replaces lysine 511 with a stop codon.
Molecular consequence: nonsense.
Genome position (GRCh38, 1-based): chr8:71,215,453, T>A on the plus strand (A>T on the coding strand, the complement: EYA1 is on the minus strand). VCF-style: chr8-71215453-T-A. GRCh37 (hg19) VCF-style: chr8-72127688-T-A.
Other names: c.1513A>T, p.Lys505Ter (NM_001288574.2, NM_172059.5); c.1165A>T, p.Lys389Ter (NM_001288575.2); c.1618A>T, p.Lys540Ter (NM_001370333.1); c.1531A>T, p.Lys511Ter (NM_001370334.1, NM_001370335.1, NM_172058.4); c.1510A>T, p.Lys504Ter (NM_001370336.1); short protein forms K511*, K504*, K505*, K540*, K389*.
Identifiers: ClinVar variation 379874 (VCV000379874.2), dbSNP rs1057520766, ClinGen allele CA16605260.